The following is an entry in ClinVar:

NM_001330260.2(SCN8A):c.2131+3A>G

Gene: SCN8A (sodium voltage-gated channel alpha subunit 8; plus strand). Cytogenetic location: 12q13.13.
Variant type: single nucleotide variant.
Coding change: c.2131+3A>G on transcript NM_001330260.2 (MANE Select); 3 bases into the intron after coding-DNA position 2131, A replaced by G.
Molecular consequence: intron variant.
Genome position (GRCh38, 1-based): chr12:51,746,038, A>G. VCF-style: chr12-51746038-A-G. GRCh37 (hg19) VCF-style: chr12-52139822-A-G.
Other names: c.2131+3A>G (NM_014191.4, NM_001177984.3, NM_001369788.1).
Identifiers: ClinVar variation 1018936 (VCV001018936.7), dbSNP rs1942506871, ClinGen allele CA2036190437.

ClinVar aggregate classification (germline): Uncertain significance (1 of 4 stars; one submission).

Conditions:
Early-infantile DEE. Also called: Ohtahara syndrome; Early infantile epileptic encephalopathy with suppression bursts; Early infantile epileptic encephalopathy. Identifiers: Orphanet 1934, MedGen C0393706, MONDO:0800491.

Allele frequency attached by ClinVar (database versions not stated): gnomAD exomes below 0.00001.
gnomAD v4.1: 1 of 1,598,582 alleles (0.000063%); highest among the groups gnomAD compares: Non-Finnish European, 0.000085%; no homozygotes.

Submission:

Labcorp Genetics (formerly Invitae), Labcorp
Classification: Uncertain significance for Early-infantile DEE. Last evaluated: 2020-03-10. Review status: criteria provided, single submitter. Criteria: Invitae Variant Classification Sherloc (09022015). Collection method: clinical testing. Allele origin: germline.
Comment: This sequence change falls in intron 13 of the SCN8A gene. It does not directly change the encoded amino acid sequence of the SCN8A protein, but it affects a nucleotide within the consensus splice site of the intron. This variant is not present in population databases (ExAC no frequency). This variant has not been reported in the literature in individuals with SCN8A-related conditions. Nucleotide substitutions within the consensus splice site are a relatively common cause of aberrant splicing (PMID: 17576681, 9536098). Algorithms developed to predict the effect of sequence changes on RNA splicing suggest that this variant may disrupt the consensus splice site, but this prediction has not been confirmed by published transcriptional studies. In summary, the available evidence is currently insufficient to determine the role of this variant in disease. Therefore, it has been classified as a Variant of Uncertain Significance.

Literature cited by the submitters: PubMed 17576681; PubMed 9536098.